The following is an entry in ClinVar:

NM_152281.3(GORAB):c.434G>T (p.Arg145Leu)

Gene: GORAB (golgin, RAB6 interacting; plus strand). Cytogenetic location: 1q24.2.
Variant type: single nucleotide variant.
Coding change: c.434G>T on transcript NM_152281.3 (MANE Select); coding-DNA position 434, G replaced by T.
Protein change: p.Arg145Leu; replaces arginine 145 with leucine.
Molecular consequence: missense variant. On other transcripts: 5 prime UTR variant (1), non-coding transcript variant (1).
Genome position (GRCh38, 1-based): chr1:170,542,505, G>T. VCF-style: chr1-170542505-G-T. GRCh37 (hg19) VCF-style: chr1-170511646-G-T.
Other names: c.434G>T, p.Arg145Leu (NM_001146039.2); c.-32G>T (NM_001320252.2); short protein forms R145L.
Identifiers: ClinVar variation 1476654 (VCV001476654.5), dbSNP rs147691146, ClinGen allele CA343163529.

ClinVar aggregate classification (germline): Uncertain significance (1 of 4 stars; one submission).

gnomAD v4.1: 2 of 1,613,246 alleles (0.00012%); highest among the groups gnomAD compares: Non-Finnish European, 0.00017%; no homozygotes.

Submission:

Labcorp Genetics (formerly Invitae), Labcorp
Classification: Uncertain significance. Last evaluated: 2025-01-06. Review status: criteria provided, single submitter. Criteria: Invitae Variant Classification Sherloc (09022015). Collection method: clinical testing. Allele origin: germline.
Comment: This sequence change replaces arginine, which is basic and polar, with leucine, which is neutral and non-polar, at codon 170 of the GORAB protein (p.Arg170Leu). This variant is not present in population databases (gnomAD no frequency). This variant has not been reported in the literature in individuals affected with GORAB-related conditions. ClinVar contains an entry for this variant (Variation ID: 1476654). An algorithm developed to predict the effect of missense changes on protein structure and function (PolyPhen-2) suggests that this variant is likely to be disruptive. In summary, the available evidence is currently insufficient to determine the role of this variant in disease. Therefore, it has been classified as a Variant of Uncertain Significance.